The following is an entry in ClinVar:

ClinVar aggregate classification (germline): Benign/Likely benign. Review status: criteria provided, multiple submitters, no conflicts (2 of 4 stars). 5 submissions from 5 submitters: Benign (3); Likely benign (1). 1 of the submissions does not count toward it. Last evaluated 2026-01-20.

Conditions:
SCYL1-related disorder. Also called: SCYL1-related condition.

Allele frequency attached by ClinVar (database versions not stated): 1000 Genomes Project 30x 0.00047; 1000 Genomes Project 0.00060; gnomAD exomes 0.00245 and 0.00406; ExAC 0.00270; gnomAD 0.00290 and 0.00297; TOPMed 0.00295; ESP Exome Variant Server 0.00402.

Submissions (5):

Labcorp Genetics (formerly Invitae), Labcorp
Classification: Benign. Last evaluated: 2026-01-20. Review status: criteria provided, single submitter. Criteria: Invitae Variant Classification Sherloc (09022015). Collection method: clinical testing. Allele origin: germline.

Blueprint Genetics
Classification: Likely benign. Last evaluated: 2024-11-26. Review status: criteria provided, single submitter. Criteria: ACMG Guidelines, 2015. Collection method: clinical testing. Allele origin: germline.

Mayo Clinic Laboratories, Mayo Clinic
Classification: Benign. Last evaluated: 2024-09-18. Review status: criteria provided, single submitter. Criteria: ACMG Guidelines, 2015. Collection method: clinical testing. Allele origin: germline. Observed: 6 variant alleles.
Comment: BS1, BS2, BP4, BP7

Breakthrough Genomics
Classification: Benign. Review status: criteria provided, single submitter. Criteria: ACMG Guidelines, 2015. Collection method: not provided. Allele origin: germline. Inheritance: Autosomal recessive inheritance. Affected: yes.

PreventionGenetics, part of Exact Sciences
Classification: Likely benign for SCYL1-related condition. Last evaluated: 2021-04-22. Review status: no assertion criteria provided. Collection method: clinical testing. Allele origin: germline. Not counted in ClinVar's aggregate classification.
Comment: This variant is classified as likely benign based on ACMG/AMP sequence variant interpretation guidelines (Richards et al. 2015 PMID: 25741868, with internal and published modifications).

NM_020680.4(SCYL1):c.1816+9C>T

Gene: SCYL1 (SCY1 like pseudokinase 1; plus strand). Cytogenetic location: 11q13.1.
Variant type: single nucleotide variant.
Coding change: c.1816+9C>T on transcript NM_020680.4 (MANE Select); 9 bases into the intron after coding-DNA position 1816, C replaced by T.
Molecular consequence: intron variant.
Genome position (GRCh38, 1-based): chr11:65,536,759, C>T. VCF-style: chr11-65536759-C-T. GRCh37 (hg19) VCF-style: chr11-65304230-C-T.
Other names: p.?; c.1816+9C>T (NM_001048218.2).
Identifiers: ClinVar variation 780055 (VCV000780055.14), dbSNP rs144276277, ClinGen allele CA6099934.